The following is an entry in ClinVar:

NM_000092.5(COL4A4):c.3197G>A (p.Gly1066Glu)

Gene: COL4A4 (collagen type IV alpha 4 chain; minus strand). Cytogenetic location: 2q36.3.
Variant type: single nucleotide variant.
Coding change: c.3197G>A on transcript NM_000092.5 (MANE Select); coding-DNA position 3197, G replaced by A.
Protein change: p.Gly1066Glu; replaces glycine 1066 with glutamic acid.
Molecular consequence: missense variant.
Genome position (GRCh38, 1-based): chr2:227,050,085, C>T on the plus strand (G>A on the coding strand, the complement: COL4A4 is on the minus strand). VCF-style: chr2-227050085-C-T. GRCh37 (hg19) VCF-style: chr2-227914801-C-T.
Other names: short protein forms G1066E.
Identifiers: ClinVar variation 4817328 (VCV004817328.2).

ClinVar aggregate classification (germline): Likely pathogenic. Review status: criteria provided, multiple submitters, no conflicts (2 of 4 stars). 2 submissions from 2 submitters: Likely pathogenic (2). Last evaluated 2025-11-12.

Conditions:
Autosomal dominant Alport syndrome (ATS3A). Also called: Alport syndrome dominant type; Renal failure and sensorineural hearing loss; ALPORT SYNDROME 3A, AUTOSOMAL DOMINANT. Identifiers: Orphanet 63, Orphanet 88918, MedGen C5882663, MONDO:0007086, OMIM 104200.
Alport syndrome. Also called: Hemorrhagic familial nephritis; Hemorrhagic hereditary nephritis; Congenital hereditary hematuria. Identifiers: Orphanet 63, MedGen C1567741, MONDO:0018965.

Submissions (2):

Natera, Inc.
Classification: Likely pathogenic for Alport syndrome. Last evaluated: 2025-11-12. Review status: criteria provided, single submitter. Criteria: Natera Variant Classification Schema (03/2026). Collection method: clinical testing. Allele origin: germline.
Comment: The c.3197G>A variant in COL4A4 is a missense variant predicted to cause substitution of glycine to glutamic acid at amino acid 1066. This variant is rare in the general population with a frequency below the threshold expected for the associated phenotype(s). This variant is located in a functionally critical region of the protein. Computational prediction algorithms indicate this variant is likely to affect gene or protein function. Given the available evidence, this variant is classified as Likely Pathogenic.

Bioscientia Institut fuer Medizinische Diagnostik GmbH, Sonic Healthcare
Classification: Likely pathogenic for Autosomal dominant Alport syndrome. Last evaluated: 2025-03-19. Review status: criteria provided, single submitter. Criteria: ACMG Guidelines, 2015. Collection method: clinical testing. Allele origin: germline. Affected: yes.